The following is an entry in ClinVar:

NM_004260.4(RECQL4):c.2161C>T (p.Arg721Ter)

Gene: RECQL4 (RecQ like helicase 4; minus strand). Cytogenetic location: 8q24.3.
Variant type: single nucleotide variant.
Coding change: c.2161C>T on transcript NM_004260.4 (MANE Select); coding-DNA position 2161, C replaced by T.
Protein change: p.Arg721Ter; replaces arginine 721 with a stop codon.
Molecular consequence: nonsense.
Genome position (GRCh38, 1-based): chr8:144,513,610, G>A on the plus strand (C>T on the coding strand, the complement: RECQL4 is on the minus strand). VCF-style: chr8-144513610-G-A. GRCh37 (hg19) VCF-style: chr8-145738994-G-A.
Other names: short protein forms R721*.
Identifiers: ClinVar variation 572305 (VCV000572305.13), dbSNP rs746691436, ClinGen allele CA4948438.
Genomic context (GRCh38, chr8:144,513,610, plus strand): 5'-CCAGCTCTGTCCATGCCGCACCTCCAGACCCTGGGACCCAGGCTGCGTGCAGGCAGGTTC[G>A]GAGGAGCGCAGCGATCCGCTCTGTGTCCTCGCGCCGGTTGCAGTAAATGATAATGGAATC-3'

ClinVar aggregate classification (germline): Pathogenic. Review status: criteria provided, multiple submitters, no conflicts (2 of 4 stars). 3 submissions from 3 submitters: Pathogenic (2). 1 of the submissions does not count toward it. Last evaluated 2025-02-14.

Conditions:
RECQL4-related disorder. Also called: RECQL4-related condition; RECQL4-related disorders.
Baller-Gerold syndrome (BGS). Also called: CRANIOSYNOSTOSIS WITH RADIAL DEFECTS. Identifiers: Orphanet 1225, MedGen C0265308, MONDO:0009039, OMIM 218600.

Allele frequency attached by ClinVar (database versions not stated): gnomAD 0.00001; gnomAD exomes 0.00003; ExAC 0.00008.

Submissions (3):

Labcorp Genetics (formerly Invitae), Labcorp
Classification: Pathogenic for Baller-Gerold syndrome. Last evaluated: 2025-02-14. Review status: criteria provided, single submitter. Criteria: Invitae Variant Classification Sherloc (09022015). Collection method: clinical testing. Allele origin: germline.
Comment: This sequence change creates a premature translational stop signal (p.Arg721*) in the RECQL4 gene. It is expected to result in an absent or disrupted protein product. Loss-of-function variants in RECQL4 are known to be pathogenic (PMID: 12734318, 12952869). This variant is present in population databases (rs746691436, gnomAD 0.01%). This premature translational stop signal has been observed in individual(s) with Rothmund-Thomson syndrome (PMID: 28486640). ClinVar contains an entry for this variant (Variation ID: 572305). For these reasons, this variant has been classified as Pathogenic.

Blueprint Genetics
Classification: Pathogenic for RECQL4-related disorders. Last evaluated: 2024-10-23. Review status: criteria provided, single submitter. Criteria: ACMG Guidelines, 2015. Collection method: clinical testing. Allele origin: germline. Affected: yes. Observed: 3 variant alleles.

Center for Molecular Medicine, Children’s Hospital of Fudan University
Classification: Pathogenic for Baller-Gerold syndrome. Last evaluated: 2021-10-05. Review status: no assertion criteria provided. Collection method: clinical testing. Allele origin: unknown. Affected: yes. Not counted in ClinVar's aggregate classification.

Literature cited by the submitters: PubMed 12734318 (cited by Labcorp Genetics (formerly Invitae), Labcorp); PubMed 12952869 (cited by Labcorp Genetics (formerly Invitae), Labcorp); PubMed 28486640 (cited by Labcorp Genetics (formerly Invitae), Labcorp).